The following is an entry in ClinVar:

ClinVar aggregate classification (germline): Uncertain significance (1 of 4 stars; one submission).

Conditions:
Autosomal recessive Alport syndrome (ATS2). Also called: COL4A4 Alport Syndrome and Thin Basement Membrane Nephropathy; ALPORT SYNDROME 2, AUTOSOMAL RECESSIVE; Alport syndrome type 2; COL4A3-Related Nephropathy. Identifiers: Orphanet 63, Orphanet 88919, MedGen C4746745, MONDO:0008762, OMIM 203780.

gnomAD v4.1: 3 of 1,614,118 alleles (0.00019%); highest among the groups gnomAD compares: East Asian, 0.0067%; no homozygotes.

Submission:

3billion
Classification: Uncertain significance for Autosomal recessive Alport syndrome. Last evaluated: 2025-12-15. Review status: criteria provided, single submitter. Criteria: ACMG Guidelines, 2015. Collection method: clinical testing. Allele origin: germline. Affected: yes.
Comment: The variant is observed at an extremely low frequency in the gnomAD v4.1.0 dataset (total allele frequency: <0.001%). Predicted Consequence/Location: The variant is located in a mutational hot spot and/or well-established functional domain in which established pathogenic variants have been reported (PMID: 30311386). A different missense change at the same codon (p.Pro1423Ser) has been reported to be associated with COL4A4-related disorder (PMID: 25755845). Therefore, this variant is classified as VUS according to the recommendation of ACMG/AMP guideline.

Literature cited by the submitters: PubMed 25755845.

NM_000092.5(COL4A4):c.4268C>G (p.Pro1423Arg)

Gene: COL4A4 (collagen type IV alpha 4 chain; minus strand). Cytogenetic location: 2q36.3.
Variant type: single nucleotide variant.
Coding change: c.4268C>G on transcript NM_000092.5 (MANE Select); coding-DNA position 4268, C replaced by G.
Protein change: p.Pro1423Arg; replaces proline 1423 with arginine.
Molecular consequence: missense variant.
Genome position (GRCh38, 1-based): chr2:227,012,246, G>C on the plus strand (C>G on the coding strand, the complement: COL4A4 is on the minus strand). VCF-style: chr2-227012246-G-C. GRCh37 (hg19) VCF-style: chr2-227876962-G-C.
Other names: short protein forms P1423R.
Identifiers: ClinVar variation 4854263 (VCV004854263.1).